The following is an entry in ClinVar:

NM_001386298.1(CIC):c.6584G>C (p.Arg2195Pro)

Gene: CIC (capicua transcriptional repressor; plus strand). Cytogenetic location: 19q13.2.
Variant type: single nucleotide variant.
Coding change: c.6584G>C on transcript NM_001386298.1 (MANE Select); coding-DNA position 6584, G replaced by C.
Protein change: p.Arg2195Pro; replaces arginine 2195 with proline.
Molecular consequence: missense variant.
Genome position (GRCh38, 1-based): chr19:42,293,653, G>C. VCF-style: chr19-42293653-G-C. GRCh37 (hg19) VCF-style: chr19-42797805-G-C.
Other names: c.6584G>C, p.Arg2195Pro (NM_001304815.2, NM_001379482.1, NM_001379483.1); c.6581G>C, p.Arg2194Pro (NM_001379480.1); c.3857G>C, p.Arg1286Pro (NM_001379484.1, NM_001379485.1, NM_015125.5); short protein forms R1286P, R2194P, R2195P.
Identifiers: ClinVar variation 2632318 (VCV002632318.1), dbSNP rs759057387, ClinGen allele CA406119763.

ClinVar aggregate classification (germline): Uncertain significance (1 of 4 stars; one submission).

Conditions:
CIC-related disorder. Also called: CIC-related condition.

gnomAD v4.1: 3 of 1,613,136 alleles (0.00019%); highest among the groups gnomAD compares: Non-Finnish European, 0.00025%; no homozygotes.

Submission:

PreventionGenetics, part of Exact Sciences
Classification: Uncertain significance for CIC-related condition. Last evaluated: 2023-05-16. Review status: criteria provided, single submitter. Criteria: ACMG Guidelines, 2015. Collection method: clinical testing. Allele origin: germline.
Comment: The CIC c.3857G>C variant is predicted to result in the amino acid substitution p.Arg1286Pro. To our knowledge, this variant has not been reported in the literature or in a large population database, indicating this variant is rare. At this time, the clinical significance of this variant is uncertain due to the absence of conclusive functional and genetic evidence.